The following is an entry in ClinVar:

NM_000492.4(CFTR):c.3038C>A (p.Pro1013His)

Genes: CFTR (CF transmembrane conductance regulator; plus strand), CFTR-AS2 (CFTR antisense RNA 2; minus strand), LOC111674472 (DNase I hypersensitive sites in introns 16 and 17a of CFTR; plus strand). Cytogenetic location: 7q31.2.
Variant type: single nucleotide variant.
Coding change: c.3038C>A on transcript NM_000492.4 (MANE Select); coding-DNA position 3038, C replaced by A.
Protein change: p.Pro1013His; replaces proline 1013 with histidine.
Molecular consequence: missense variant.
Genome position (GRCh38, 1-based): chr7:117,610,568, C>A. VCF-style: chr7-117610568-C-A. GRCh37 (hg19) VCF-style: chr7-117250622-C-A.
Other names: short protein forms P1013H.
Identifiers: ClinVar variation 35859 (VCV000035859.27), dbSNP rs193922516, ClinGen allele CA260231.

ClinVar aggregate classification (germline): Conflicting classifications of pathogenicity. Review status: criteria provided, conflicting classifications (1 of 4 stars). 9 submissions from 9 submitters: Likely pathogenic (1); Uncertain significance (7). 1 of the submissions does not count toward it. Last evaluated 2025-08-26.

Conditions:
Cystic fibrosis (CF). Also called: MUCOVISCIDOSIS. Identifiers: Orphanet 586, MedGen C0010674, MONDO:0009061, OMIM 219700. Disease mechanism: loss of function.
Congenital bilateral aplasia of vas deferens from CFTR mutation (CBAVD). Identifiers: Orphanet 48, MedGen C0403814, MONDO:0010178, OMIM 277180. Disease mechanism: loss of function.
Hereditary pancreatitis (PCTT). Also called: Hereditary chronic pancreatitis; PRSS1-Related Hereditary Pancreatitis. Identifiers: Orphanet 676, MedGen C0238339, MONDO:0008185, OMIM 167800.
Bronchiectasis with or without elevated sweat chloride 1 (BESC1). Also called: Cystic Fibrosis-Like Syndrome. Identifiers: Orphanet 60033, MedGen C2749757, MONDO:0008887, OMIM 211400.
CFTR-related disorder (CFTR-RD). Also called: CFTR-related disorders; CFTR-related condition. Identifiers: MedGen C5924204, MONDO:7770004.

Allele frequency attached by ClinVar (database versions not stated): gnomAD 0.00003; TOPMed 0.00003.
gnomAD v4.1: 62 of 1,613,218 alleles (0.0038%); highest among the groups gnomAD compares: Non-Finnish European, 0.0051%; no homozygotes.

Submissions (9):

Women's Health and Genetics/Laboratory Corporation of America, LabCorp
Classification: Likely pathogenic for Cystic fibrosis. Last evaluated: 2025-08-26. Review status: criteria provided, single submitter. Criteria: LabCorp Variant Classification Summary - May 2015. Collection method: clinical testing. Allele origin: germline.
Comment: Variant summary: CFTR c.3038C>A (p.Pro1013His) results in a non-conservative amino acid change located in the ABC transporter type 1, transmembrane domain (IPR011527) of the encoded protein sequence. Algorithms developed to predict the effect of missense changes on protein structure and function all suggest that this variant is likely to be disruptive. The variant allele was found at a frequency of 3.2e-05 in 251138 control chromosomes. Although the variant has been reported in the literature in at least one heterozygous individual undergoing carrier screening analysis as part of preimplantation genetic diagnosis for Cystic Fibrosis (e.g. Girardet_2015), to our knowledge, no occurrence of c.3038C>A in individuals affected with verified Cystic Fibrosis have been reported in the peer-reviewed literature. One database (SickKids) reports this variant in a patient with pancreatic insufficiency and 40-45 mmol/L sweat chloride levels, which does not reach the threshold required for diagnosis of CF. At least one publication reports experimental evidence evaluating an impact on protein function. The most pronounced variant effect resulted in approximately 7.77% of normal chloride channel conductance relative to wild type (e.g., Bihler_2024). The following publications have been ascertained in the context of this evaluation (PMID: 38388235, 24762087, 26014425, 25880441, 31808782, 25735457). ClinVar contains an entry for this variant (Variation ID: 35859). Based on the evidence outlined above, the variant was classified as likely pathogenic.

Labcorp Genetics (formerly Invitae), Labcorp
Classification: Uncertain significance for Cystic fibrosis. Last evaluated: 2024-04-05. Review status: criteria provided, single submitter. Criteria: Invitae Variant Classification Sherloc (09022015). Collection method: clinical testing. Allele origin: germline.
Comment: This sequence change replaces proline, which is neutral and non-polar, with histidine, which is basic and polar, at codon 1013 of the CFTR protein (p.Pro1013His). This variant is present in population databases (rs193922516, gnomAD 0.006%). This variant has not been reported in the literature in individuals affected with CFTR-related conditions. ClinVar contains an entry for this variant (Variation ID: 35859). Advanced modeling of protein sequence and biophysical properties (such as structural, functional, and spatial information, amino acid conservation, physicochemical variation, residue mobility, and thermodynamic stability) performed at Invitae indicates that this missense variant is expected to disrupt CFTR protein function with a positive predictive value of 80%. In summary, the available evidence is currently insufficient to determine the role of this variant in disease. Therefore, it has been classified as a Variant of Uncertain Significance.

Ambry Genetics
Classification: Uncertain significance for Cystic fibrosis. Last evaluated: 2023-07-06. Review status: criteria provided, single submitter. Criteria: Ambry Variant Classification Scheme 2023. Collection method: clinical testing. Allele origin: germline.
Comment: The p.P1013H variant (also known as c.3038C>A), located in coding exon 19 of the CFTR gene, results from a C to A substitution at nucleotide position 3038. The proline at codon 1013 is replaced by histidine, an amino acid with similar properties. This variant has been reported in the heterozygous state in individuals undergoing preimplantation genetic diagnosis for cystic fibrosis (Girardet A et al. Clin. Genet., 2015 Feb;87:124-32; Girardet A et al. Eur. J. Hum. Genet., 2016 Apr;24:469-78; Capalbo A et al. PLoS Genet., 2019 10;15:e1008409). This amino acid position is highly conserved in available vertebrate species. In addition, this alteration is predicted to be deleterious by in silico analysis. Since supporting evidence is limited at this time, the clinical significance of this alteration remains unclear.

Mayo Clinic Laboratories, Mayo Clinic
Classification: Uncertain significance. Last evaluated: 2022-12-08. Review status: criteria provided, single submitter. Criteria: ACMG Guidelines, 2015. Collection method: clinical testing. Allele origin: germline. Observed: 2 variant alleles.
Comment: PP3, PM2

Fulgent Genetics
Classification: Uncertain significance for Hereditary pancreatitis; Bronchiectasis with or without elevated sweat chloride 1; Cystic fibrosis; Congenital bilateral aplasia of vas deferens from CFTR mutation. Last evaluated: 2022-03-15. Review status: criteria provided, single submitter. Criteria: ACMG Guidelines, 2015. Collection method: clinical testing. Allele origin: unknown.

Genome-Nilou Lab
Classification: Uncertain significance for Cystic fibrosis. Last evaluated: 2021-09-05. Review status: criteria provided, single submitter. Criteria: ACMG Guidelines, 2015. Collection method: clinical testing. Allele origin: germline. Affected: no.

ARUP Laboratories, Molecular Genetics and Genomics, ARUP Laboratories
Classification: Uncertain significance. Last evaluated: 2021-05-21. Review status: criteria provided, single submitter. Criteria: ARUP Molecular Germline Variant Investigation Process 2021. Collection method: clinical testing. Allele origin: germline.
Comment: The CFTR c.3038C>A; This variant is also reported in ClinVar (Variation ID: 35859), and is only observed on nine alleles in the Genome Aggregation Database, indicating it is not a common polymorphism. The proline at residue 1013 is highly conserved, and computational analyses predict that this variant is deleterious (REVEL: 0.862). However, due to limited clinical and functional information, the significance of the p.Pro1013His variant is uncertain at this time. References: Link to SickKids CFTR database: Capalbo A et al. Optimizing clinical exome design and parallel gene-testing for recessive genetic conditions in preconception carrier screening: Translational research genomic data from 14,125 exomes. PLoS Genet. 2019 Oct 7;15(10):e1008409. PMID: 31589614. Girardet A et al. The improvement of the best practice guidelines for preimplantation genetic diagnosis of cystic fibrosis: toward an international consensus. Eur J Hum Genet. 2016 Apr;24(4):469-78. PMID: 26014425.

Revvity Omics, Revvity
Classification: Uncertain significance. Last evaluated: 2019-11-18. Review status: criteria provided, single submitter. Criteria: ACMG Guidelines, 2015. Collection method: clinical testing. Allele origin: germline.

Natera, Inc.
Classification: Uncertain significance for CFTR-related disorders. Last evaluated: 2018-08-29. Review status: no assertion criteria provided. Collection method: clinical testing. Allele origin: germline. Not counted in ClinVar's aggregate classification.

Literature cited by the submitters: PubMed 25735457 (cited by Women's Health and Genetics/Laboratory Corporation of America, LabCorp); PubMed 26014425 (cited by Women's Health and Genetics/Laboratory Corporation of America, LabCorp and Ambry Genetics); PubMed 25880441 (cited by Women's Health and Genetics/Laboratory Corporation of America, LabCorp); PubMed 24762087 (cited by 3 submitters); PubMed 31808782 (cited by Women's Health and Genetics/Laboratory Corporation of America, LabCorp); PubMed 38388235 (cited by Women's Health and Genetics/Laboratory Corporation of America, LabCorp); PubMed 31589614 (cited by Ambry Genetics).